The following is an entry in ClinVar:

ClinVar aggregate classification (germline): Uncertain significance. Review status: criteria provided, multiple submitters, no conflicts (2 of 4 stars). 2 submissions from 2 submitters: Uncertain significance (2). Last evaluated 2024-05-10.

Conditions:
Cone-rod dystrophy 6 (CORD6). Also called: Cone dystrophy progressive; RETINAL CONE DYSTROPHY 2. Identifiers: Orphanet 1872, MedGen C1866293, MONDO:0011143, OMIM 601777.
Leber congenital amaurosis 1 (LCA1). Also called: AMAUROSIS CONGENITA OF LEBER I; RETINAL BLINDNESS, CONGENITAL; Congenital absence of the rods and cones; Leber's congenital tapetoretinal degeneration; Leber's congenital tapetoretinal dysplasia. Identifiers: Orphanet 65, MedGen C2931258, MONDO:0008764, OMIM 204000.

Allele frequency attached by ClinVar (database versions not stated): TOPMed below 0.00001; gnomAD 0.00001; gnomAD exomes 0.00001; ExAC 0.00002.

Submissions (2):

Blueprint Genetics
Classification: Uncertain significance. Last evaluated: 2024-05-10. Review status: criteria provided, single submitter. Criteria: ACMG Guidelines, 2015. Collection method: clinical testing. Allele origin: germline.

Labcorp Genetics (formerly Invitae), Labcorp
Classification: Uncertain significance for Leber congenital amaurosis 1; Cone-rod dystrophy 6. Last evaluated: 2021-09-21. Review status: criteria provided, single submitter. Criteria: Invitae Variant Classification Sherloc (09022015). Collection method: clinical testing. Allele origin: germline.
Comment: This sequence change replaces arginine with glutamine at codon 836 of the GUCY2D protein (p.Arg836Gln). The arginine residue is highly conserved and there is a small physicochemical difference between arginine and glutamine. This variant is present in population databases (rs760126408, ExAC 0.02%). This variant has not been reported in the literature in individuals affected with GUCY2D-related conditions. Algorithms developed to predict the effect of missense changes on protein structure and function (SIFT, PolyPhen-2, Align-GVGD) all suggest that this variant is likely to be disruptive. In summary, the available evidence is currently insufficient to determine the role of this variant in disease. Therefore, it has been classified as a Variant of Uncertain Significance.

NM_000180.4(GUCY2D):c.2507G>A (p.Arg836Gln)

Gene: GUCY2D (guanylate cyclase 2D, retinal; plus strand). Cytogenetic location: 17p13.1.
Variant type: single nucleotide variant.
Coding change: c.2507G>A on transcript NM_000180.4 (MANE Select); coding-DNA position 2507, G replaced by A.
Protein change: p.Arg836Gln; replaces arginine 836 with glutamine.
Molecular consequence: missense variant.
Genome position (GRCh38, 1-based): chr17:8,014,695, G>A. VCF-style: chr17-8014695-G-A. GRCh37 (hg19) VCF-style: chr17-7918013-G-A.
Other names: short protein forms R836Q.
Identifiers: ClinVar variation 1398854 (VCV001398854.4), dbSNP rs760126408, ClinGen allele CA8366143.
Genomic context (GRCh38, chr17:8,014,695, plus strand): 5'-TCATTGACTCGATGCTTCGGATGCTGGAGCAGTACTCTAGTAACCTGGAGGATCTGATCC[G>A]GGAGCGCACGGAGGAGCTGGAGCTGGAAAAGCAGAAGACAGACCGGCTGCTTACACAGAT-3'
Protein context (NP_000171.1, residues 826-846): QYSSNLEDLI[Arg836Gln]ERTEELELEK